The following is an entry in ClinVar:

ClinVar aggregate classification (germline): Likely benign. Review status: criteria provided, single submitter (1 of 4 stars). 2 submissions from 2 submitters: Likely benign (1). 1 of the submissions does not count toward it. Last evaluated 2024-10-28.

Conditions:
MYRF-related disorder. Also called: MYRF-related disorders; MYRF-related condition.

Allele frequency attached by ClinVar (database versions not stated): ExAC 0.00015; TOPMed 0.00015; gnomAD 0.00017; 1000 Genomes Project 30x 0.00031; ESP Exome Variant Server 0.00031; gnomAD exomes 0.00031.
gnomAD v4.1: 468 of 1,613,812 alleles (0.029%); highest among the groups gnomAD compares: Non-Finnish European, 0.037%; no homozygotes.

Submissions (2):

Blueprint Genetics
Classification: Likely benign. Last evaluated: 2024-10-28. Review status: criteria provided, single submitter. Criteria: ACMG Guidelines, 2015. Collection method: clinical testing. Allele origin: germline.

PreventionGenetics, part of Exact Sciences
Classification: Likely benign for MYRF-related condition. Last evaluated: 2021-09-07. Review status: no assertion criteria provided. Collection method: clinical testing. Allele origin: germline. Not counted in ClinVar's aggregate classification.
Comment: This variant is classified as likely benign based on ACMG/AMP sequence variant interpretation guidelines (Richards et al. 2015 PMID: 25741868, with internal and published modifications).

NM_001127392.3(MYRF):c.1248C>T (p.Tyr416=)

Gene: MYRF (myelin regulatory factor; plus strand). Cytogenetic location: 11q12.2.
Variant type: single nucleotide variant.
Coding change: c.1248C>T on transcript NM_001127392.3 (MANE Select); coding-DNA position 1248, C replaced by T.
Protein change: p.Tyr416=; no amino-acid change (tyrosine 416 retained).
Molecular consequence: synonymous variant.
Genome position (GRCh38, 1-based): chr11:61,774,099, C>T. VCF-style: chr11-61774099-C-T. GRCh37 (hg19) VCF-style: chr11-61541571-C-T.
Other names: c.1221C>T, p.Tyr407= (NM_013279.4).
Identifiers: ClinVar variation 3045829 (VCV003045829.3), dbSNP rs139188067, ClinGen allele CA6037822.
Genomic context (GRCh38, chr11:61,774,099, plus strand): 5'-CCAGAAGAAGAACCACTTCCAGGTGACAGTGTACATCGGCATGCTGGGCGAGCCCAAGTA[C>T]GTCAAGACGCCCGAGGGCCTCAAGCCCCTCGACTGCTTCTATCTGAAGCTGCACGGAGTG-3'
Protein context (NP_001120864.1, residues 406-426): VYIGMLGEPK[Tyr416=]VKTPEGLKPL